The following is an entry in ClinVar:

NM_006947.4(SRP72):c.133G>T (p.Val45Leu)

Gene: SRP72 (signal recognition particle 72; plus strand). Cytogenetic location: 4q12.
Variant type: single nucleotide variant.
Coding change: c.133G>T on transcript NM_006947.4 (MANE Select); coding-DNA position 133, G replaced by T.
Protein change: p.Val45Leu; replaces valine 45 with leucine.
Molecular consequence: missense variant. On other transcripts: non-coding transcript variant (1).
Genome position (GRCh38, 1-based): chr4:56,469,676, G>T. VCF-style: chr4-56469676-G-T. GRCh37 (hg19) VCF-style: chr4-57335842-G-T.
Other names: c.133G>T, p.Val45Leu (NM_001267722.2); short protein forms V45L.
Identifiers: ClinVar variation 1004301 (VCV001004301.16), dbSNP rs201940585, ClinGen allele CA97583612.
Genomic context (GRCh38, chr4:56,469,676, plus strand): 5'-GGATTTAAAAATGACTTTTCCTAAAATTGTTCTCTAGTACTACAGATCAACAAAGATGAC[G>T]TAACTGCCCTGCATTGTAAAGTGGTATGCCTTATCCAGAATGGAAGTTTCAAGGAAGCTT-3'
Protein context (NP_008878.3, residues 35-55): NKILQINKDD[Val45Leu]TALHCKVVCL

ClinVar aggregate classification (germline): Uncertain significance. Review status: criteria provided, multiple submitters, no conflicts (2 of 4 stars). 4 submissions from 4 submitters: Uncertain significance (4). Last evaluated 2026-02-06.

Conditions:
SRP72-related disorder. Also called: SRP72-related condition.

Allele frequency attached by ClinVar (database versions not stated): TOPMed 0.00005.

Submissions (4):

PreventionGenetics, part of Exact Sciences
Classification: Uncertain significance for SRP72-related condition. Last evaluated: 2026-02-06. Review status: criteria provided, single submitter. Criteria: ACMG Guidelines, 2015. Collection method: clinical testing. Allele origin: germline.
Comment: The SRP72 c.133G>T variant is predicted to result in the amino acid substitution p.Val45Leu. To our knowledge, this variant has not been reported in the literature or in a large population database (gnomAD), indicating this variant is rare. At this time, the clinical significance of this variant is uncertain due to the absence of conclusive functional and genetic evidence.

Labcorp Genetics (formerly Invitae), Labcorp
Classification: Uncertain significance. Last evaluated: 2025-08-25. Review status: criteria provided, single submitter. Criteria: Invitae Variant Classification Sherloc (09022015). Collection method: clinical testing. Allele origin: germline.
Comment: This sequence change replaces valine, which is neutral and non-polar, with leucine, which is neutral and non-polar, at codon 45 of the SRP72 protein (p.Val45Leu). This variant is not present in population databases (gnomAD no frequency). This variant has not been reported in the literature in individuals affected with SRP72-related conditions. ClinVar contains an entry for this variant (Variation ID: 1004301). Invitae Evidence Modeling of protein sequence and biophysical properties (such as structural, functional, and spatial information, amino acid conservation, physicochemical variation, residue mobility, and thermodynamic stability) indicates that this missense variant is not expected to disrupt SRP72 protein function with a negative predictive value of 80%. In summary, the available evidence is currently insufficient to determine the role of this variant in disease. Therefore, it has been classified as a Variant of Uncertain Significance.

Ambry Genetics
Classification: Uncertain significance. Last evaluated: 2025-04-04. Review status: criteria provided, single submitter. Criteria: Ambry Variant Classification Scheme 2023. Collection method: clinical testing. Allele origin: germline.

GeneDx
Classification: Uncertain significance. Last evaluated: 2023-09-01. Review status: criteria provided, single submitter. Criteria: GeneDx Variant Classification Process June 2021. Collection method: clinical testing. Allele origin: germline. Affected: yes.
Comment: Not observed at significant frequency in large population cohorts (gnomAD); In silico analysis supports that this missense variant does not alter protein structure/function; Has not been previously published as pathogenic or benign to our knowledge; This variant is associated with the following publications: (PMID: 27899666, 28369529)